The following is an entry in ClinVar:

ClinVar aggregate classification (germline): Uncertain significance (1 of 4 stars; one submission).

Conditions:
Cardiovascular phenotype. Identifiers: MedGen CN230736.

Submission:

Ambry Genetics
Classification: Uncertain significance for Cardiovascular phenotype. Last evaluated: 2021-11-22. Review status: criteria provided, single submitter. Criteria: Ambry Variant Classification Scheme 2023. Collection method: clinical testing. Allele origin: germline.
Comment: The c.2092C>T (p.L698F) alteration is located in exon 13 (coding exon 13) of the DSC2 gene. This alteration results from a C to T substitution at nucleotide position 2092, causing the leucine (L) at amino acid position 698 to be replaced by a phenylalanine (F). This variant was not reported in population-based cohorts in the Genome Aggregation Database (gnomAD). This amino acid position is highly conserved in available vertebrate species. This alteration is predicted to be tolerated by in silico analysis. Based on insufficient or conflicting evidence, the clinical significance of this alteration remains unclear.

NM_024422.6(DSC2):c.2092C>T (p.Leu698Phe)

Gene: DSC2 (desmocollin 2; minus strand). Cytogenetic location: 18q12.1.
Variant type: single nucleotide variant.
Coding change: c.2092C>T on transcript NM_024422.6 (MANE Select); coding-DNA position 2092, C replaced by T.
Protein change: p.Leu698Phe; replaces leucine 698 with phenylalanine.
Molecular consequence: missense variant.
Genome position (GRCh38, 1-based): chr18:31,071,638, G>A on the plus strand (C>T on the coding strand, the complement: DSC2 is on the minus strand). VCF-style: chr18-31071638-G-A. GRCh37 (hg19) VCF-style: chr18-28651604-G-A.
Other names: c.2092C>T, p.Leu698Phe (NM_004949.5); short protein forms L698F.
Identifiers: ClinVar variation 521821 (VCV000521821.5), dbSNP rs1555637561, ClinGen allele CA402112810.